The following is an entry in ClinVar:

ClinVar aggregate classification (germline): Pathogenic/Likely pathogenic. Review status: criteria provided, multiple submitters, no conflicts (2 of 4 stars). 4 submissions from 4 submitters: Pathogenic (3); Likely pathogenic (1). Last evaluated 2025-06-05.

Conditions:
Cardiovascular phenotype. Identifiers: MedGen CN230736.
Hereditary cancer-predisposing syndrome. Also called: Hereditary neoplastic syndrome; Neoplastic Syndromes, Hereditary; Hereditary Cancer Syndrome; Tumor predisposition. Identifiers: Orphanet 140162, MedGen C0027672, MeSH D009386, MONDO:0015356.
Neurofibromatosis, type 1 (NF1). Also called: Peripheral type neurofibromatosis; VON RECKLINGHAUSEN DISEASE; Neurofibromatosis, type I; NEUROFIBROMATOSIS, TYPE I, SOMATIC. Identifiers: Orphanet 636, MedGen C0027831, MONDO:0018975, OMIM 162200. Disease mechanism: loss of function.

Submissions (4):

NHS Central & South Genomic Laboratory Hub
Classification: Pathogenic for Neurofibromatosis type 1. Last evaluated: 2025-06-05. Review status: criteria provided, single submitter. Criteria: ACMG Guidelines, 2015. Collection method: clinical testing. Allele origin: germline. Affected: yes.

GeneDx
Classification: Pathogenic. Last evaluated: 2023-11-03. Review status: criteria provided, single submitter. Criteria: GeneDx Variant Classification Process June 2021. Collection method: clinical testing. Allele origin: germline. Affected: yes.
Comment: Exonic splice site variant demonstrated to result in protein truncation or nonsense mediated decay in a gene for which loss-of-function is a known mechanism of disease (PMID: 23913538); Not observed at significant frequency in large population cohorts (gnomAD); This variant is associated with the following publications: (PMID: 23913538, 25486365, 2121369)

Labcorp Genetics (formerly Invitae), Labcorp
Classification: Pathogenic for Neurofibromatosis, type 1. Last evaluated: 2023-06-11. Review status: criteria provided, single submitter. Criteria: Invitae Variant Classification Sherloc (09022015). Collection method: clinical testing. Allele origin: germline.
Comment: Advanced modeling of protein sequence and biophysical properties (such as structural, functional, and spatial information, amino acid conservation, physicochemical variation, residue mobility, and thermodynamic stability) has been performed at Invitae for this missense variant, however the output from this modeling did not meet the statistical confidence thresholds required to predict the impact of this variant on NF1 protein function. For these reasons, this variant has been classified as Pathogenic. Algorithms developed to predict the effect of sequence changes on RNA splicing suggest that this variant may create or strengthen a splice site. ClinVar contains an entry for this variant (Variation ID: 572485). This missense change has been observed in individual(s) with clinical features of neurofibromatosis type I (PMID: 23913538; Invitae). In at least one individual the variant was observed to be de novo. This variant is not present in population databases (gnomAD no frequency). This sequence change replaces arginine, which is basic and polar, with glycine, which is neutral and non-polar, at codon 873 of the NF1 protein (p.Arg873Gly).

Ambry Genetics
Classification: Likely pathogenic for Cardiovascular phenotype; Hereditary cancer-predisposing syndrome. Last evaluated: 2023-05-22. Review status: criteria provided, single submitter. Criteria: Ambry Variant Classification Scheme 2023. Collection method: clinical testing. Allele origin: germline.
Comment: The c.2617C>G variant (also known as p.R873G), located in coding exon 21 of the NF1 gene, results from a C to G substitution at nucleotide position 2617. The arginine at codon 873 is replaced by glycine, an amino acid with dissimilar properties. This alteration was detected in an individual fulfilling NIH diagnostic criteria for Neurofibromatosis type 1 (NF1) (Sabbagh A et al. Hum Mutat, 2013 Nov;34:1510-8; Flores Pimentel M et al. Transl Vis Sci Technol, 2022 Feb;11:10). In addition, this alteration was shown at the mRNA level to create a new donor splice site within exon 16 which results in a frameshift that deletes the last 233 nucleotides of the exon (Sabbagh A et al. Hum. Mutat., 2013 Nov;34:1510-8, Ambry internal data). This nucleotide position is highly conserved in available vertebrate species. In silico splice site analysis predicts that this alteration will result in the creation or strengthening of a novel splice donor site. This variant is considered to be rare based on population cohorts in the Genome Aggregation Database (gnomAD). Based on the majority of available evidence to date, this variant is likely to be pathogenic.

Literature cited by the submitters: PubMed 23913538 (cited by Labcorp Genetics (formerly Invitae), Labcorp).

NM_001042492.3(NF1):c.2617C>G (p.Arg873Gly)

Gene: NF1 (neurofibromin 1; plus strand). Cytogenetic location: 17q11.2.
Variant type: single nucleotide variant.
Coding change: c.2617C>G on transcript NM_001042492.3 (MANE Select); coding-DNA position 2617, C replaced by G.
Protein change: p.Arg873Gly; replaces arginine 873 with glycine.
Molecular consequence: missense variant.
Genome position (GRCh38, 1-based): chr17:31,229,232, C>G. VCF-style: chr17-31229232-C-G. GRCh37 (hg19) VCF-style: chr17-29556250-C-G.
Other names: c.2617C>G, p.Arg873Gly (NM_000267.4); short protein forms R873G.
Identifiers: ClinVar variation 572485 (VCV000572485.11), dbSNP rs199474739, ClinGen allele CA398984498.
Genomic context (GRCh38, chr17:31,229,232, plus strand): 5'-CAGCAGAGAAGCAATTCTGGCCTGGCAACCTATAGCCCACCCATGGGTCCAGTCAGTGAA[C>G]GTAAGGGTTCTATGATTTCAGTGATGTCTTCAGAGGGAAACGCAGATACACCTGTCAGCA-3'
Protein context (NP_001035957.1, residues 863-883): YSPPMGPVSE[Arg873Gly]KGSMISVMSS